The following is an entry in ClinVar:

NM_001354483.2(CSGALNACT1):c.1ATG[2] (p.Met3del)

Gene: CSGALNACT1 (chondroitin sulfate N-acetylgalactosaminyltransferase 1; minus strand). Cytogenetic location: 8p21.3.
Variant type: Microsatellite.
Coding change: c.1ATG[2] on transcript NM_001354483.2 (MANE Select); two copies in a row of the 3-base unit ATG starting at c.1; the reference has three copies in a row; one copy, 3 bases deleted.
Protein change: p.Met3del; deletes methionine 3.
Molecular consequence: inframe deletion, initiator codon variant. On other transcripts: non-coding transcript variant (7).
Genome position (GRCh38, 1-based): chr8:19,505,826-19,505,828, CAT deleted on the plus strand (ATG on the coding strand, the reverse complement: CSGALNACT1 is on the minus strand); deleting any 3 consecutive bases within chr8:19,505,826-19,505,834 gives the same sequence; the position shown is the placement nearest the transcript's 3' end. VCF-style (leftmost placement, unchanged base first): chr8-19505825-CCAT-C. GRCh37 (hg19) VCF-style: chr8-19363336-CCAT-C.
Other names: c.1ATG[2], p.Met3del (NM_001130518.2, NM_001354475.2, NM_001354476.2 and 18 more transcripts); short protein forms M3del.
Identifiers: ClinVar variation 4680880 (VCV004680880.1).

ClinVar aggregate classification (germline): Uncertain significance (1 of 4 stars; one submission).

Submission:

GeneDx
Classification: Uncertain significance. Last evaluated: 2025-07-03. Review status: criteria provided, single submitter. Criteria: GeneDx Variant Classification Process June 2021. Collection method: clinical testing. Allele origin: germline. Affected: yes.
Comment: Not observed at significant frequency in large population cohorts (gnomAD); In-frame deletion of 1 amino acid(s) in a non-repeat region; In silico analysis suggests that this variant does not alter protein structure/function; Has not been previously published as pathogenic or benign to our knowledge